The following is an entry in ClinVar:

ClinVar aggregate classification (germline): Pathogenic (1 of 4 stars; one submission).

Submission:

Labcorp Genetics (formerly Invitae), Labcorp
Classification: Pathogenic. Last evaluated: 2023-05-22. Review status: criteria provided, single submitter. Criteria: Invitae Variant Classification Sherloc (09022015). Collection method: clinical testing. Allele origin: germline.
Comment: For these reasons, this variant has been classified as Pathogenic. This variant has not been reported in the literature in individuals affected with PCLO-related conditions. This variant is not present in population databases (gnomAD no frequency). This sequence change creates a premature translational stop signal (p.Glu3198*) in the PCLO gene. It is expected to result in an absent or disrupted protein product. Loss-of-function variants in PCLO are known to be pathogenic (PMID: 25832664, 30287594).

Literature cited by the submitters: PubMed 25832664; PubMed 30287594.

NM_033026.6(PCLO):c.9592G>T (p.Glu3198Ter)

Gene: PCLO (piccolo presynaptic cytomatrix protein; minus strand). Cytogenetic location: 7q21.11.
Variant type: single nucleotide variant.
Coding change: c.9592G>T on transcript NM_033026.6 (MANE Select); coding-DNA position 9592, G replaced by T.
Protein change: p.Glu3198Ter; replaces glutamic acid 3198 with a stop codon.
Molecular consequence: nonsense.
Genome position (GRCh38, 1-based): chr7:82,950,996, C>A on the plus strand (G>T on the coding strand, the complement: PCLO is on the minus strand). VCF-style: chr7-82950996-C-A. GRCh37 (hg19) VCF-style: chr7-82580312-C-A.
Other names: c.9592G>T, p.Glu3198Ter (NM_014510.3); short protein forms E3198*.
Identifiers: ClinVar variation 2862106 (VCV002862106.3), dbSNP rs1193276126, ClinGen allele CA367907986.